The following is an entry in ClinVar:

NM_001080508.3(TBX18):c.1109G>C (p.Ser370Thr)

Gene: TBX18 (T-box transcription factor 18; minus strand). Cytogenetic location: 6q14.3.
Variant type: single nucleotide variant.
Coding change: c.1109G>C on transcript NM_001080508.3 (MANE Select); coding-DNA position 1109, G replaced by C.
Protein change: p.Ser370Thr; replaces serine 370 with threonine.
Molecular consequence: missense variant.
Genome position (GRCh38, 1-based): chr6:84,737,400, C>G on the plus strand (G>C on the coding strand, the complement: TBX18 is on the minus strand). VCF-style: chr6-84737400-C-G. GRCh37 (hg19) VCF-style: chr6-85447118-C-G.
Other names: short protein forms S370T.
Identifiers: ClinVar variation 2874288 (VCV002874288.3), dbSNP rs1410353165, ClinGen allele CA364895178.

ClinVar aggregate classification (germline): Uncertain significance (1 of 4 stars; one submission).

Submission:

Labcorp Genetics (formerly Invitae), Labcorp
Classification: Uncertain significance. Last evaluated: 2023-12-06. Review status: criteria provided, single submitter. Criteria: Invitae Variant Classification Sherloc (09022015). Collection method: clinical testing. Allele origin: germline.
Comment: This sequence change replaces serine, which is neutral and polar, with threonine, which is neutral and polar, at codon 370 of the TBX18 protein (p.Ser370Thr). This variant is not present in population databases (gnomAD no frequency). This variant has not been reported in the literature in individuals affected with TBX18-related conditions. Advanced modeling of protein sequence and biophysical properties (such as structural, functional, and spatial information, amino acid conservation, physicochemical variation, residue mobility, and thermodynamic stability) performed at Invitae indicates that this missense variant is not expected to disrupt TBX18 protein function with a negative predictive value of 80%. In summary, the available evidence is currently insufficient to determine the role of this variant in disease. Therefore, it has been classified as a Variant of Uncertain Significance.